The following is an entry in ClinVar:

NM_022095.4(ZNF335):c.3340C>T (p.Arg1114Cys)

Gene: ZNF335 (zinc finger protein 335; minus strand). Cytogenetic location: 20q13.12.
Variant type: single nucleotide variant.
Coding change: c.3340C>T on transcript NM_022095.4 (MANE Select); coding-DNA position 3340, C replaced by T.
Protein change: p.Arg1114Cys; replaces arginine 1114 with cysteine.
Molecular consequence: missense variant.
Genome position (GRCh38, 1-based): chr20:45,950,366, G>A on the plus strand (C>T on the coding strand, the complement: ZNF335 is on the minus strand). VCF-style: chr20-45950366-G-A. GRCh37 (hg19) VCF-style: chr20-44579005-G-A.
Other names: short protein forms R1114C.
Identifiers: ClinVar variation 3360105 (VCV003360105.1).

ClinVar aggregate classification (germline): Uncertain significance (1 of 4 stars; one submission).

gnomAD v4.1: 2 of 1,598,458 alleles (0.00013%); highest among the groups gnomAD compares: Admixed American, 0.0017%; no homozygotes.

Submission:

GeneDx
Classification: Uncertain significance. Last evaluated: 2023-06-20. Review status: criteria provided, single submitter. Criteria: GeneDx Variant Classification Process June 2021. Collection method: clinical testing. Allele origin: germline. Affected: yes.
Comment: Not observed at significant frequency in large population cohorts (gnomAD); In silico analysis supports that this missense variant has a deleterious effect on protein structure/function; Has not been previously published as pathogenic or benign to our knowledge